The following is an entry in ClinVar:

NM_001378454.1(ALMS1):c.6873del (p.Asp2291fs)

Gene: ALMS1 (ALMS1 centrosome and basal body associated protein; plus strand). Cytogenetic location: 2p13.1.
Variant type: Deletion.
Coding change: c.6873del on transcript NM_001378454.1 (MANE Select); coding-DNA position 6873, one base deleted (T; older notation c.6873delT).
Protein change: p.Asp2291fs; shifts the reading frame from aspartic acid 2291.
Molecular consequence: frameshift variant.
Genome position (GRCh38, 1-based): chr2:73,453,400, T deleted. VCF-style (leftmost placement, unchanged base first): chr2-73453399-AT-A. GRCh37 (hg19) VCF-style: chr2-73680526-AT-A.
Other names: c.6876del, p.Asp2292fs (NM_015120.4); short protein forms D2291fs, D2292fs.
Identifiers: ClinVar variation 3382417 (VCV003382417.2).

ClinVar aggregate classification (germline): Likely pathogenic (1 of 4 stars; one submission).

Conditions:
Alstrom syndrome (ALMS). Identifiers: Orphanet 64, MedGen C0268425, MONDO:0008763, OMIM 203800.

Submission:

Juno Genomics, Hangzhou Juno Genomics, Inc
Classification: Likely pathogenic for Alstrom syndrome. Review status: criteria provided, single submitter. Criteria: ACMG Guidelines, 2015. Collection method: clinical testing. Allele origin: germline. Affected: yes.
Comment: Absent from controls (or at extremely low frequency if recessive) in Genome Aggregation Database, Exome Sequencing Project, 1000 Genomes Project, or Exome Aggregation Consortium.;Null variant in a gene where loss of function (LOF) is a known mechanism of disease.